The following is an entry in ClinVar:

ClinVar aggregate classification (germline): Uncertain significance (1 of 4 stars; one submission).

Submission:

Ambry Genetics
Classification: Uncertain significance. Last evaluated: 2026-06-19. Review status: criteria provided, single submitter. Criteria: Ambry Variant Classification Scheme 2023. Collection method: clinical testing. Allele origin: germline.
Comment: The p.S1130N variant (also known as c.3389G>A), located in coding exon 13 of the CDK12 gene, results from a G to A substitution at nucleotide position 3389. The serine at codon 1130 is replaced by asparagine, an amino acid with highly similar properties. This amino acid position is conserved. In addition, this alteration is predicted to be tolerated by in silico analysis. Based on the available evidence, the clinical significance of this variant remains unclear.

NM_016507.4(CDK12):c.3389G>A (p.Ser1130Asn)

Gene: CDK12 (cyclin dependent kinase 12; plus strand). Cytogenetic location: 17q12.
Variant type: single nucleotide variant.
Coding change: c.3389G>A on transcript NM_016507.4 (MANE Select); coding-DNA position 3389, G replaced by A.
Protein change: p.Ser1130Asn; replaces serine 1130 with asparagine.
Molecular consequence: missense variant.
Genome position (GRCh38, 1-based): chr17:39,525,945, G>A. VCF-style: chr17-39525945-G-A. GRCh37 (hg19) VCF-style: chr17-37682198-G-A.
Other names: c.3389G>A, p.Ser1130Asn (NM_015083.4); short protein forms S1130N.
Identifiers: ClinVar variation 5034051 (VCV005034051.1).